The following is an entry in ClinVar:

NM_002661.5(PLCG2):c.1467+3G>A

Gene: PLCG2 (phospholipase C gamma 2; plus strand). Cytogenetic location: 16q23.3.
Variant type: single nucleotide variant.
Coding change: c.1467+3G>A on transcript NM_002661.5 (MANE Select); 3 bases into the intron after coding-DNA position 1467, G replaced by A.
Molecular consequence: intron variant.
Genome position (GRCh38, 1-based): chr16:81,905,510, G>A. VCF-style: chr16-81905510-G-A. GRCh37 (hg19) VCF-style: chr16-81939115-G-A.
Identifiers: ClinVar variation 1523920 (VCV001523920.7), dbSNP rs759974672, ClinGen allele CA8193762.

ClinVar aggregate classification (germline): Uncertain significance. Review status: criteria provided, multiple submitters, no conflicts (2 of 4 stars). 2 submissions from 2 submitters: Uncertain significance (2). Last evaluated 2023-07-07.

Conditions:
Familial cold autoinflammatory syndrome 3 (FCAS3). Also called: FAMILIAL ATYPICAL COLD URTICARIA; ANTIBODY DEFICIENCY AND IMMUNE DYSREGULATION, PLCG2-ASSOCIATED. Identifiers: Orphanet 300359, MedGen C3280914, MONDO:0013766, OMIM 614468.
Autoinflammation-PLCG2-associated antibody deficiency-immune dysregulation. Also called: Autoinflammation, antibody deficiency, and immune dysregulation, plcg2-associated; AUTOINFLAMMATION, ANTIBODY DEFICIENCY, AND IMMUNE DYSREGULATION; Autoinflammation, antibody deficiency, and immune dysregulation syndrome. Identifiers: Orphanet 324530, MedGen C3553961, MONDO:0013944, OMIM 614878.

Allele frequency attached by ClinVar (database versions not stated): gnomAD 0.00001 and 0.00002; gnomAD exomes 0.00001 and 0.00002; TOPMed 0.00001; ExAC 0.00003.
gnomAD v4.1: 16 of 1,607,234 alleles (0.001%); highest among the groups gnomAD compares: East Asian, 0.027%; no homozygotes.

Submissions (2):

Labcorp Genetics (formerly Invitae), Labcorp
Classification: Uncertain significance for Familial cold autoinflammatory syndrome 3. Last evaluated: 2023-07-07. Review status: criteria provided, single submitter. Criteria: Invitae Variant Classification Sherloc (09022015). Collection method: clinical testing. Allele origin: germline.
Comment: In summary, the available evidence is currently insufficient to determine the role of this variant in disease. Therefore, it has been classified as a Variant of Uncertain Significance. Variants that disrupt the consensus splice site are a relatively common cause of aberrant splicing (PMID: 17576681, 9536098). Algorithms developed to predict the effect of sequence changes on RNA splicing suggest that this variant is not likely to affect RNA splicing. ClinVar contains an entry for this variant (Variation ID: 1523920). This variant has not been reported in the literature in individuals affected with PLCG2-related conditions. This variant is present in population databases (rs759974672, gnomAD 0.02%). This sequence change falls in intron 15 of the PLCG2 gene. It does not directly change the encoded amino acid sequence of the PLCG2 protein. It affects a nucleotide within the consensus splice site.

Fulgent Genetics
Classification: Uncertain significance for Familial cold autoinflammatory syndrome 3; Autoinflammation-PLCG2-associated antibody deficiency-immune dysregulation. Last evaluated: 2022-01-06. Review status: criteria provided, single submitter. Criteria: ACMG Guidelines, 2015. Collection method: clinical testing. Allele origin: unknown.

Literature cited by the submitters: PubMed 17576681 (cited by Labcorp Genetics (formerly Invitae), Labcorp); PubMed 9536098 (cited by Labcorp Genetics (formerly Invitae), Labcorp).